The following is an entry in ClinVar:

ClinVar aggregate classification (germline): Uncertain significance (1 of 4 stars; one submission).

Allele frequency attached by ClinVar (database versions not stated): ExAC 0.00001.
gnomAD v4.1: 1 of 1,605,566 alleles (0.000062%); highest among the groups gnomAD compares: Non-Finnish European, 0.000085%; no homozygotes.

Submission:

Labcorp Genetics (formerly Invitae), Labcorp
Classification: Uncertain significance. Last evaluated: 2022-04-19. Review status: criteria provided, single submitter. Criteria: Invitae Variant Classification Sherloc (09022015). Collection method: clinical testing. Allele origin: germline.
Comment: In summary, the available evidence is currently insufficient to determine the role of this variant in disease. Therefore, it has been classified as a Variant of Uncertain Significance. Algorithms developed to predict the effect of missense changes on protein structure and function are either unavailable or do not agree on the potential impact of this missense change (SIFT: "Deleterious"; PolyPhen-2: "Possibly Damaging"; Align-GVGD: "Class C0"). This variant has not been reported in the literature in individuals affected with KLF10-related conditions. This variant is present in population databases (rs771793433, gnomAD 0.0009%). This sequence change replaces proline, which is neutral and non-polar, with histidine, which is basic and polar, at codon 359 of the KLF10 protein (p.Pro359His).

NM_005655.4(KLF10):c.1076C>A (p.Pro359His)

Gene: KLF10 (KLF transcription factor 10; minus strand). Cytogenetic location: 8q22.3.
Variant type: single nucleotide variant.
Coding change: c.1076C>A on transcript NM_005655.4 (MANE Select); coding-DNA position 1076, C replaced by A.
Protein change: p.Pro359His; replaces proline 359 with histidine.
Molecular consequence: missense variant. On other transcripts: non-coding transcript variant (1).
Genome position (GRCh38, 1-based): chr8:102,651,256, G>T on the plus strand (C>A on the coding strand, the complement: KLF10 is on the minus strand). VCF-style: chr8-102651256-G-T. GRCh37 (hg19) VCF-style: chr8-103663484-G-T.
Other names: c.1043C>A, p.Pro348His (NM_001032282.4); short protein forms P359H, P348H.
Identifiers: ClinVar variation 1959950 (VCV001959950.5), dbSNP rs771793433, ClinGen allele CA4833477.